The following is an entry in ClinVar:

ClinVar aggregate classification (germline): Uncertain significance. Review status: criteria provided, multiple submitters, no conflicts (2 of 4 stars). 2 submissions from 2 submitters: Uncertain significance (2). Last evaluated 2025-12-01.

Allele frequency attached by ClinVar (database versions not stated): ExAC 0.00001; gnomAD exomes 0.00002; gnomAD 0.00004; TOPMed 0.00006; ESP Exome Variant Server 0.00008.
gnomAD v4.1: 42 of 1,614,012 alleles (0.0026%); highest among the groups gnomAD compares: African/African-American, 0.011%; no homozygotes.

Submissions (2):

CeGaT Center for Human Genetics Tuebingen
Classification: Uncertain significance. Last evaluated: 2025-12-01. Review status: criteria provided, single submitter. Criteria: CeGaT Center For Human Genetics Tuebingen Variant Classification Criteria Version 2. Collection method: clinical testing. Allele origin: germline. Affected: yes. Observed: 1 variant allele.
Comment: NDUFA9: PM2

Labcorp Genetics (formerly Invitae), Labcorp
Classification: Uncertain significance. Last evaluated: 2024-04-12. Review status: criteria provided, single submitter. Criteria: Invitae Variant Classification Sherloc (09022015). Collection method: clinical testing. Allele origin: germline.
Comment: This sequence change replaces arginine, which is basic and polar, with histidine, which is basic and polar, at codon 48 of the NDUFA9 protein (p.Arg48His). This variant is present in population databases (rs375524647, gnomAD 0.008%). This variant has not been reported in the literature in individuals affected with NDUFA9-related conditions. ClinVar contains an entry for this variant (Variation ID: 2179617). An algorithm developed to predict the effect of missense changes on protein structure and function (PolyPhen-2) suggests that this variant is likely to be disruptive. In summary, the available evidence is currently insufficient to determine the role of this variant in disease. Therefore, it has been classified as a Variant of Uncertain Significance.

NM_005002.5(NDUFA9):c.143G>A (p.Arg48His)

Gene: NDUFA9 (NADH:ubiquinone oxidoreductase subunit A9; plus strand). Cytogenetic location: 12p13.32.
Variant type: single nucleotide variant.
Coding change: c.143G>A on transcript NM_005002.5 (MANE Select); coding-DNA position 143, G replaced by A.
Protein change: p.Arg48His; replaces arginine 48 with histidine.
Molecular consequence: missense variant.
Genome position (GRCh38, 1-based): chr12:4,654,385, G>A. VCF-style: chr12-4654385-G-A. GRCh37 (hg19) VCF-style: chr12-4763551-G-A.
Other names: short protein forms R48H.
Identifiers: ClinVar variation 2179617 (VCV002179617.9), dbSNP rs375524647, ClinGen allele CA6398009.